The following is an entry in ClinVar:

NM_001042492.3(NF1):c.7319C>T (p.Ala2440Val)

Gene: NF1 (neurofibromin 1; plus strand). Cytogenetic location: 17q11.2.
Variant type: single nucleotide variant.
Coding change: c.7319C>T on transcript NM_001042492.3 (MANE Select); coding-DNA position 7319, C replaced by T.
Protein change: p.Ala2440Val; replaces alanine 2440 with valine.
Molecular consequence: missense variant.
Genome position (GRCh38, 1-based): chr17:31,349,249, C>T. VCF-style: chr17-31349249-C-T. GRCh37 (hg19) VCF-style: chr17-29676267-C-T.
Other names: c.7256C>T, p.Ala2419Val (NM_000267.4); short protein forms A2419V, A2440V.
Identifiers: ClinVar variation 2121325 (VCV002121325.4), dbSNP rs2508801846, ClinGen allele CA399016928.
Genomic context (GRCh38, chr17:31,349,249, plus strand): 5'-TTAACAAACACAGAAATTGTGACAAATTTGAAGTGAATACACAGAGCGTGGCCTACTTAG[C>T]AGGTAAAAACACAAAATAAACAAAATTAATCTTGCTACATCTATATATAAGGATCACCCA-3'
Protein context (NP_001035957.1, residues 2430-2450): EVNTQSVAYL[Ala2440Val]ALLTVSEEVR

ClinVar aggregate classification (germline): Pathogenic (1 of 4 stars; one submission).

Conditions:
Neurofibromatosis, type 1 (NF1). Also called: NEUROFIBROMATOSIS, TYPE I, SOMATIC; Neurofibromatosis, type I; Peripheral type neurofibromatosis; VON RECKLINGHAUSEN DISEASE. Identifiers: Orphanet 636, MedGen C0027831, MONDO:0018975, OMIM 162200. Disease mechanism: loss of function.

Submission:

Labcorp Genetics (formerly Invitae), Labcorp
Classification: Pathogenic for Neurofibromatosis, type 1. Last evaluated: 2024-04-22. Review status: criteria provided, single submitter. Criteria: Invitae Variant Classification Sherloc (09022015). Collection method: clinical testing. Allele origin: germline.
Comment: This sequence change replaces alanine, which is neutral and non-polar, with valine, which is neutral and non-polar, at codon 2419 of the NF1 protein (p.Ala2419Val). This variant is not present in population databases (gnomAD no frequency). This missense change has been observed in individual(s) with neurofibromatosis type 1 (Invitae). In at least one individual the variant was observed to be de novo. ClinVar contains an entry for this variant (Variation ID: 2121325). An algorithm developed to predict the effect of missense changes on protein structure and function (PolyPhen-2) suggests that this variant is likely to be disruptive. Algorithms developed to predict the effect of sequence changes on RNA splicing suggest that this variant may disrupt the consensus splice site. For these reasons, this variant has been classified as Pathogenic.